The following is an entry in ClinVar:

ClinVar aggregate classification (germline): Uncertain significance (1 of 4 stars; one submission).

Conditions:
Idiopathic generalized epilepsy. Also called: Generalised epilepsy; EIG. Identifiers: MedGen C0270850, MONDO:0005579, OMIM 600669.

Allele frequency attached by ClinVar (database versions not stated): gnomAD exomes below 0.00001.

Submission:

Labcorp Genetics (formerly Invitae), Labcorp
Classification: Uncertain significance for Idiopathic generalized epilepsy. Last evaluated: 2024-09-27. Review status: criteria provided, single submitter. Criteria: Invitae Variant Classification Sherloc (09022015). Collection method: clinical testing. Allele origin: germline.
Comment: This sequence change replaces threonine, which is neutral and polar, with alanine, which is neutral and non-polar, at codon 346 of the RBFOX1 protein (p.Thr346Ala). This variant is present in population databases (no rsID available, gnomAD 0.0009%). This variant has not been reported in the literature in individuals affected with RBFOX1-related conditions. Invitae Evidence Modeling of protein sequence and biophysical properties (such as structural, functional, and spatial information, amino acid conservation, physicochemical variation, residue mobility, and thermodynamic stability) indicates that this missense variant is not expected to disrupt RBFOX1 protein function with a negative predictive value of 80%. In summary, the available evidence is currently insufficient to determine the role of this variant in disease. Therefore, it has been classified as a Variant of Uncertain Significance.

NM_018723.4(RBFOX1):c.973A>G (p.Thr325Ala)

Gene: RBFOX1 (RNA binding fox-1 homolog 1; plus strand). Cytogenetic location: 16p13.3.
Variant type: single nucleotide variant.
Coding change: c.973A>G on transcript NM_018723.4 (MANE Select); coding-DNA position 973, A replaced by G.
Protein change: p.Thr325Ala; replaces threonine 325 with alanine.
Molecular consequence: missense variant.
Genome position (GRCh38, 1-based): chr16:7,676,816, A>G. VCF-style: chr16-7676816-A-G. GRCh37 (hg19) VCF-style: chr16-7726818-A-G.
Other names: c.880A>G, p.Thr294Ala (NM_001415916.1); c.898A>G, p.Thr300Ala (NM_001415917.1); c.1036A>G, p.Thr346Ala (NM_145891.3, NM_145892.3, NM_145893.3); c.892A>G, p.Thr298Ala (NM_001142333.2); c.973A>G, p.Thr325Ala (NM_001142334.2, NM_001364800.2); c.1102A>G, p.Thr368Ala (NM_001308117.1, NM_001411047.1, NM_001415891.1 and 1 more transcripts); c.1570A>G, p.Thr524Ala (NM_001415887.1); c.1489A>G, p.Thr497Ala (NM_001415888.1); and 13 more; short protein forms T303A, T310A, T323A, T341A, T345A, T346A, T361A, T298A.
Identifiers: ClinVar variation 3000496 (VCV003000496.3), dbSNP rs1322833083, ClinGen allele CA394684052.
Genomic context (GRCh38, chr16:7,676,816, plus strand): 5'-TTTCTCCTTGTGTTTTAGGGTGGTTATGCTGCATACCGCTACGCCCAGCCTACCCCTGCC[A>G]CTGCCGCTGCCTACAGTGACAGGTAAGGGTCATCCTTCTTGTGCTTGACAACTACTTGTA-3'
Protein context (NP_061193.2, residues 315-335): AYRYAQPTPA[Thr325Ala]AAAYSDSYGR